The following is an entry in ClinVar:

NM_000169.3(GLA):c.394G>C (p.Gly132Arg)

Genes: GLA (galactosidase alpha; minus strand), RPL36A-HNRNPH2 (RPL36A-HNRNPH2 readthrough; plus strand). Cytogenetic location: Xq22.1.
Variant type: single nucleotide variant.
Coding change: c.394G>C on transcript NM_000169.3 (MANE Select); coding-DNA position 394, G replaced by C.
Protein change: p.Gly132Arg; replaces glycine 132 with arginine.
Molecular consequence: missense variant. On other transcripts: non-coding transcript variant (3), intron variant (2).
Genome position (GRCh38, 1-based): chrX:101,401,785, C>G on the plus strand (G>C on the coding strand, the complement: GLA is on the minus strand). VCF-style: chrX-101401785-C-G. GRCh37 (hg19) VCF-style: chrX-100656773-C-G.
Other names: c.517G>C, p.Gly173Arg (NM_001406747.1, NM_001406749.1); c.394G>C, p.Gly132Arg (NM_001406748.1); c.300+6328C>G (NM_001199973.2); c.177+9963C>G (NM_001199974.2); short protein forms G132R, G173R.
Identifiers: ClinVar variation 3337148 (VCV003337148.2).

ClinVar aggregate classification (germline): Pathogenic. Review status: criteria provided, multiple submitters, no conflicts (2 of 4 stars). 2 submissions from 2 submitters: Pathogenic (2). Last evaluated 2026-09-08.

Conditions:
Fabry disease. Also called: Fabry's disease; ALPHA-GALACTOSIDASE A DEFICIENCY; ANDERSON-FABRY DISEASE; CERAMIDE TRIHEXOSIDASE DEFICIENCY; GLA DEFICIENCY; HEREDITARY DYSTOPIC LIPIDOSIS. Identifiers: Orphanet 324, MedGen C0002986, MONDO:0010526, OMIM 301500, HP:0001071. Disease mechanism: Fabry disease is due to inactivating mutations in the X-linked GLA gene resulting in deficiency of the enzyme Alpha Galactosidase-A., loss of function.

Submissions (2):

Genomenon, Inc
Classification: Pathogenic for Fabry disease. Last evaluated: 2026-09-08. Review status: criteria provided, single submitter. Criteria: Genomenon Sequence Variant Interpretation Standards - Updated. Collection method: curation. Allele origin: germline. Affected: yes.
Comment: GLA p.Gly132Arg (c.394G>C) is a missense variant that changes the amino acid at codon 132 from Glycine to Arginine. This variant has been observed in at least one proband with clinical features consistent with Fabry disease (PMID:27560961;20367968). At least one functional study has demonstrated a substantial alteration in protein function relative to the wild-type (PMID:32023956;27657681). This variant is located in a mutational hotspot and/or important functional domain. It is absent or not present at a significant frequency in gnomAD. In silico models predict that this variant is possibly or probably damaging. In conclusion, we classify GLA p.Gly132Arg (c.394G>C) as a pathogenic variant.

Clinical Genetics Laboratory, Skane University Hospital Lund
Classification: Pathogenic. Last evaluated: 2023-08-21. Review status: criteria provided, single submitter. Criteria: ACMG Guidelines, 2015. Collection method: clinical testing. Allele origin: germline. Affected: yes.

Literature cited by the submitters: PubMed 27560961 (cited by Genomenon, Inc); PubMed 20367968 (cited by Genomenon, Inc); PubMed 32023956 (cited by Genomenon, Inc); PubMed 27657681 (cited by Genomenon, Inc).